The following is an entry in ClinVar:

NM_001105206.3(LAMA4):c.460C>T (p.Arg154Trp)

Gene: LAMA4 (laminin subunit alpha 4; minus strand). Cytogenetic location: 6q21.
Variant type: single nucleotide variant.
Coding change: c.460C>T on transcript NM_001105206.3 (MANE Select); coding-DNA position 460, C replaced by T.
Protein change: p.Arg154Trp; replaces arginine 154 with tryptophan.
Molecular consequence: missense variant.
Genome position (GRCh38, 1-based): chr6:112,201,651, G>A on the plus strand (C>T on the coding strand, the complement: LAMA4 is on the minus strand). VCF-style: chr6-112201651-G-A. GRCh37 (hg19) VCF-style: chr6-112522852-G-A.
Other names: p.R154W:CGG>TGG; c.460C>T, p.Arg154Trp (NM_001105207.3, NM_002290.5); short protein forms R154W.
Identifiers: ClinVar variation 44392 (VCV000044392.20), dbSNP rs11757455, ClinGen allele CA282388.

ClinVar aggregate classification (germline): Benign/Likely benign. Review status: criteria provided, multiple submitters, no conflicts (2 of 4 stars). 10 submissions from 10 submitters: Benign (5); Likely benign (1). 4 of the submissions do not count toward it. Last evaluated 2026-02-03.

Conditions:
Dilated cardiomyopathy 1JJ (CMD1JJ). Identifiers: Orphanet 154, MedGen C3808935, MONDO:0014095, OMIM 615235.

Allele frequency attached by ClinVar (database versions not stated): 1000 Genomes Project 0.03095; gnomAD 0.04393 and 0.04245; gnomAD exomes 0.05220; ExAC 0.05307; 1000 Genomes Project 30x 0.02858; TOPMed 0.04088; ESP Exome Variant Server 0.04698.

Submissions (10):

Labcorp Genetics (formerly Invitae), Labcorp
Classification: Benign for Dilated cardiomyopathy 1JJ. Last evaluated: 2026-02-03. Review status: criteria provided, single submitter. Criteria: Invitae Variant Classification Sherloc (09022015). Collection method: clinical testing. Allele origin: germline.

Women's Health and Genetics/Laboratory Corporation of America, LabCorp
Classification: Likely benign. Last evaluated: 2023-04-09. Review status: criteria provided, single submitter. Criteria: LabCorp Variant Classification Summary - May 2015. Collection method: clinical testing. Allele origin: germline.

GeneDx
Classification: Benign. Last evaluated: 2013-12-10. Review status: criteria provided, single submitter. Criteria: GeneDx Variant Classification (06012015). Collection method: clinical testing. Allele origin: germline. Affected: yes.
Comment: This variant is considered likely benign or benign based on one or more of the following criteria: it is a conservative change, it occurs at a poorly conserved position in the protein, it is predicted to be benign by multiple in silico algorithms, and/or has population frequency not consistent with disease.

Biesecker Lab/Clinical Genomics Section, National Institutes of Health
Classification: Benign. Last evaluated: 2013-06-24. Review status: criteria provided, single submitter. Criteria: Ng et al. (Circ Cardiovasc Genet. 2013). Collection method: research. Allele origin: unknown. Observed: 87 variant alleles. Study: ClinSeq.
Comment: The study set was not selected for affection status in relation to any cancer. Pathogenicity categories were based on literature curation. See Pubmed ID:23861362 for details.

Medical sequencing

Laboratory for Molecular Medicine, Mass General Brigham Personalized Medicine
Classification: Benign. Last evaluated: 2011-09-27. Review status: criteria provided, single submitter. Criteria: LMM Criteria. Collection method: clinical testing. Allele origin: germline. Observed: 171 variant alleles.

PreventionGenetics, part of Exact Sciences
Classification: Benign. Review status: criteria provided, single submitter. Criteria: ACMG Guidelines, 2015. Collection method: clinical testing. Allele origin: germline.

Clinical Genetics DNA and cytogenetics Diagnostics Lab, Erasmus MC, Erasmus Medical Center
Classification: Benign. Review status: no assertion criteria provided. Collection method: clinical testing. Allele origin: germline. Affected: yes. Study: VKGL Data-share Consensus. Not counted in ClinVar's aggregate classification.

Clinical Genetics, Academic Medical Center
Classification: Benign. Review status: no assertion criteria provided. Collection method: clinical testing. Allele origin: germline. Affected: yes. Study: VKGL Data-share Consensus. Not counted in ClinVar's aggregate classification.

Genome Diagnostics Laboratory, University Medical Center Utrecht
Classification: Benign. Review status: no assertion criteria provided. Collection method: clinical testing. Allele origin: germline. Affected: yes. Study: VKGL Data-share Consensus. Not counted in ClinVar's aggregate classification.

Joint Genome Diagnostic Labs from Nijmegen and Maastricht, Radboudumc and MUMC+
Classification: Benign. Review status: no assertion criteria provided. Collection method: clinical testing. Allele origin: germline. Affected: yes. Study: VKGL Data-share Consensus. Not counted in ClinVar's aggregate classification.